The following is an entry in ClinVar:

ClinVar aggregate classification (germline): Uncertain significance (1 of 4 stars; one submission).

Conditions:
Multiple endocrine neoplasia, type 2 (MEN2). Identifiers: Orphanet 653, MedGen C4048306, MONDO:0019003. Disease mechanism: gain of function.

Submission:

Labcorp Genetics (formerly Invitae), Labcorp
Classification: Uncertain significance for Multiple endocrine neoplasia, type 2. Last evaluated: 2023-05-13. Review status: criteria provided, single submitter. Criteria: Invitae Variant Classification Sherloc (09022015). Collection method: clinical testing. Allele origin: germline.
Comment: In summary, the available evidence is currently insufficient to determine the role of this variant in disease. Therefore, it has been classified as a Variant of Uncertain Significance. An algorithm developed to predict the effect of missense changes on protein structure and function (PolyPhen-2) suggests that this variant is likely to be tolerated. This variant has not been reported in the literature in individuals affected with RET-related conditions. This variant is not present in population databases (gnomAD no frequency). This sequence change replaces valine, which is neutral and non-polar, with alanine, which is neutral and non-polar, at codon 427 of the RET protein (p.Val427Ala).

NM_020975.6(RET):c.1280T>C (p.Val427Ala)

Gene: RET (ret proto-oncogene; plus strand). Cytogenetic location: 10q11.21.
Variant type: single nucleotide variant.
Coding change: c.1280T>C on transcript NM_020975.6 (MANE Select); coding-DNA position 1280, T replaced by C.
Protein change: p.Val427Ala; replaces valine 427 with alanine.
Molecular consequence: missense variant. On other transcripts: intron variant (15).
Genome position (GRCh38, 1-based): chr10:43,111,223, T>C. VCF-style: chr10-43111223-T-C. GRCh37 (hg19) VCF-style: chr10-43606671-T-C.
Other names: c.1280T>C, p.Val427Ala (NM_000323.2, NM_001406743.1, NM_001406744.1 and 6 more transcripts); c.518T>C, p.Val173Ala (NM_001355216.2); c.1151T>C, p.Val384Ala (NM_001406761.1, NM_001406762.1, NM_001406764.1 and 1 more transcripts); c.992T>C, p.Val331Ala (NM_001406766.1, NM_001406767.1, NM_001406770.1); c.884T>C, p.Val295Ala (NM_001406769.1, NM_001406772.1); c.842T>C, p.Val281Ala (NM_001406771.1, NM_001406773.1); c.755T>C, p.Val252Ala (NM_001406774.1); c.554T>C, p.Val185Ala (NM_001406775.1, NM_001406776.1, NM_001406777.1 and 1 more transcripts); and 5 more; short protein forms V281A, V331A, V384A, V185A, V97A, V252A, V427A, V173A.
Identifiers: ClinVar variation 2864153 (VCV002864153.3), dbSNP rs2538439888, ClinGen allele CA376548869.